The following is an entry in ClinVar:

ClinVar aggregate classification (germline): Likely benign. Review status: criteria provided, multiple submitters, no conflicts (2 of 4 stars). 3 submissions from 3 submitters: Likely benign (2). 1 of the submissions does not count toward it. Last evaluated 2026-01-11.

Conditions:
HSD17B4-related disorder. Also called: HSD17B4-related disorders; HSD17B4-related condition.
Bifunctional peroxisomal enzyme deficiency (DBIF). Also called: DBP DEFICIENCY; PBFE DEFICIENCY; D-bifunctional protein deficiency. Identifiers: Orphanet 300, MedGen C0342870, MONDO:0009855, OMIM 261515. Disease mechanism: loss of function.
Perrault syndrome. Also called: Gonadal dysgenesis with auditory dysfunction, autosomal recessive inheritance. Identifiers: Orphanet 2855, MedGen C0685838, MONDO:0017312.

Allele frequency attached by ClinVar (database versions not stated): ExAC 0.00002.
gnomAD v4.1: 48 of 1,613,174 alleles (0.003%); highest among the groups gnomAD compares: East Asian, 0.0089%; no homozygotes.

Submissions (3):

Labcorp Genetics (formerly Invitae), Labcorp
Classification: Likely benign for Perrault syndrome; Bifunctional peroxisomal enzyme deficiency. Last evaluated: 2026-01-11. Review status: criteria provided, single submitter. Criteria: Invitae Variant Classification Sherloc (09022015). Collection method: clinical testing. Allele origin: germline.

GeneDx
Classification: Likely benign. Last evaluated: 2020-01-27. Review status: criteria provided, single submitter. Criteria: GeneDx Variant Classification Process June 2021. Collection method: clinical testing. Allele origin: germline. Affected: yes.

PreventionGenetics, part of Exact Sciences
Classification: Likely benign for HSD17B4-related condition. Last evaluated: 2022-01-04. Review status: no assertion criteria provided. Collection method: clinical testing. Allele origin: germline. Not counted in ClinVar's aggregate classification.
Comment: This variant is classified as likely benign based on ACMG/AMP sequence variant interpretation guidelines (Richards et al. 2015 PMID: 25741868, with internal and published modifications).

NM_000414.4(HSD17B4):c.1971C>T (p.Gly657=)

Gene: HSD17B4 (hydroxysteroid 17-beta dehydrogenase 4; plus strand). Cytogenetic location: 5q23.1.
Variant type: single nucleotide variant.
Coding change: c.1971C>T on transcript NM_000414.4 (MANE Select); coding-DNA position 1971, C replaced by T.
Protein change: p.Gly657=; no amino-acid change (glycine 657 retained).
Molecular consequence: synonymous variant. On other transcripts: non-coding transcript variant (2).
Genome position (GRCh38, 1-based): chr5:119,531,382, C>T. VCF-style: chr5-119531382-C-T. GRCh37 (hg19) VCF-style: chr5-118867077-C-T.
Other names: c.2046C>T, p.Gly682= (NM_001199291.3); c.1917C>T, p.Gly639= (NM_001199292.2); c.1899C>T, p.Gly633= (NM_001292027.2, NM_001374498.1); c.1551C>T, p.Gly517= (NM_001292028.2); c.1962C>T, p.Gly654= (NM_001374497.1); c.1644C>T, p.Gly548= (NM_001374499.1); c.1530C>T, p.Gly510= (NM_001374500.1); c.1560C>T, p.Gly520= (NM_001374501.1, NM_001374502.1, NM_001374503.1).
Identifiers: ClinVar variation 1199714 (VCV001199714.10), dbSNP rs776519991, ClinGen allele CA3382474.